The following is an entry in ClinVar:

NM_000431.4(MVK):c.316C>T (p.Arg106Cys)

Gene: MVK (mevalonate kinase; plus strand). Cytogenetic location: 12q24.11.
Variant type: single nucleotide variant.
Coding change: c.316C>T on transcript NM_000431.4 (MANE Select); coding-DNA position 316, C replaced by T.
Protein change: p.Arg106Cys; replaces arginine 106 with cysteine.
Molecular consequence: missense variant. On other transcripts: 5 prime UTR variant (1), non-coding transcript variant (2).
Genome position (GRCh38, 1-based): chr12:109,579,891, C>T. VCF-style: chr12-109579891-C-T. GRCh37 (hg19) VCF-style: chr12-110017696-C-T.
Other names: c.316C>T, p.Arg106Cys (NM_001114185.3, NM_001301182.2, NM_001414511.1 and 3 more transcripts); c.-267C>T (NM_001414515.1); short protein forms R106C.
Identifiers: ClinVar variation 2926600 (VCV002926600.4), dbSNP rs774991078, ClinGen allele CA243453027.

ClinVar aggregate classification (germline): Uncertain significance. Review status: criteria provided, multiple submitters, no conflicts (2 of 4 stars). 2 submissions from 2 submitters: Uncertain significance (2). Last evaluated 2025-08-19.

Conditions:
Hyperimmunoglobulin D with periodic fever (HIDS). Also called: HYPERIMMUNOGLOBULINEMIA D AND PERIODIC FEVER SYNDROME; Hyperimmunoglobulinemia D; Hyperimmunoglobulinemia D with periodic fever. Identifiers: Orphanet 343, MedGen C0398691, MONDO:0009849, OMIM 260920.
Porokeratosis 3, disseminated superficial actinic type (POROK3). Also called: POROKERATOSIS 3, MULTIPLE TYPES; POROKERATOSIS 3, MIBELLI TYPE; POROKERATOSIS, DISSEMINATED SUPERFICIAL ACTINIC, 1. Identifiers: MedGen C1867981, MONDO:0008293, OMIM 175900.
Mevalonic aciduria (MEVA). Identifiers: Orphanet 29, MedGen C1959626, MONDO:0012481, OMIM 610377.

Allele frequency attached by ClinVar (database versions not stated): gnomAD exomes below 0.00001; gnomAD 0.00002; TOPMed 0.00002.

Submissions (2):

Labcorp Genetics (formerly Invitae), Labcorp
Classification: Uncertain significance for Mevalonic aciduria; Hyperimmunoglobulin D with periodic fever; Porokeratosis 3, disseminated superficial actinic type. Last evaluated: 2025-08-19. Review status: criteria provided, single submitter. Criteria: Invitae Variant Classification Sherloc (09022015). Collection method: clinical testing. Allele origin: germline.
Comment: This sequence change replaces arginine, which is basic and polar, with cysteine, which is neutral and slightly polar, at codon 106 of the MVK protein (p.Arg106Cys). This variant is present in population databases (rs774991078, gnomAD 0.01%). This variant has not been reported in the literature in individuals affected with MVK-related conditions. ClinVar contains an entry for this variant (Variation ID: 2926600). An algorithm developed to predict the effect of missense changes on protein structure and function outputs the following: PolyPhen-2: "Benign". The cysteine amino acid residue is found in multiple mammalian species, which suggests that this missense change does not adversely affect protein function. In summary, the available evidence is currently insufficient to determine the role of this variant in disease. Therefore, it has been classified as a Variant of Uncertain Significance.

Fulgent Genetics
Classification: Uncertain significance for Porokeratosis 3, disseminated superficial actinic type; Hyperimmunoglobulin D with periodic fever; Mevalonic aciduria. Last evaluated: 2024-05-16. Review status: criteria provided, single submitter. Criteria: ACMG Guidelines, 2015. Collection method: clinical testing. Allele origin: germline.